The following is an entry in ClinVar:

GRCh37/hg19 14q22.3-23.2(chr14:57804997-63590203)x1

Genes: ACTR10 (actin related protein 10; plus strand), ARID4A (AT-rich interaction domain 4A; plus strand), ARMH4 (armadillo like helical domain containing 4; minus strand), C14orf39 (chromosome 14 open reading frame 39; minus strand), CCDC175 (coiled-coil domain containing 175; minus strand) and 29 more. Cytogenetic location: 14q22.3-23.2.
Variant type: copy number loss.
Change: copy number 1 (one copy instead of two) of chr14:57,804,997-63,590,203 (5.79 Mb, GRCh37 coordinates, 1-based), cytogenetic band 14q22.3-23.2.
Identifiers: ClinVar variation 1807640 (VCV001807640.1).

ClinVar aggregate classification (germline): Likely pathogenic (1 of 4 stars; one submission).

Submission:

Quest Diagnostics Nichols Institute San Juan Capistrano
Classification: Likely pathogenic. Last evaluated: 2021-12-24. Review status: criteria provided, single submitter. Criteria: ACMG/ClinGen CNV Guidelines, 2019. Collection method: clinical testing. Allele origin: unknown.
Comment: This deletion involves more than 30 protein-coding genes, including SIX1 (OMIM 601205), SIX4 (OMIM 606342), SIX6 (OMIM 606326), and DACT1( OMIM 607861). This sizable deletion is likely to cause phenotypic and developmental abnormalities. The deleted interval partially overlaps with 14q22-23 microdeletion syndrome region, which has been characterized by bilateral anophthalmia, pituitary abnormalities, ear anomalies, and facial dysmorphism such as high forehead, downturned corners of mouth, and micrognathia. The proposed critical genes include OTX2 and BMP4 (ocular developmental defects), BMP4 and SIX6 (ocular developmental defects and abnormal pituitary development), and SIX1 (ear and other craniofacial features) (BMC Med Genomics. 2018 Sep 29;11(1):87. PMID:30268123; Am J Med Genet A. 2006 Aug 15;140(16):1711-8. PMID:16835935). Of note, the current deletion includes SIX1, SIX4 and SIX6, but not OTX2 or BMP4 genes. A 6.5 Mb copy number loss very similar to the current interval was reported in a proband with dysmorphic facial features, pharyngeal/esophageal abnormalities and reflux, bilateral proximal syndactyly of digits 2, 3, and 4 on hands and feet, moderate intellectual disability, and speech delay (Am J Med Genet A. 2014Mar;164A(3):639-47. PMID: 24357464). Further, heterozygous sequence variants of SIX1 are associated with autosomal dominant branchiootic syndrome-3 (OMIM 608389), and deafness-23 (OMIM 605192). Additional information on this locus: Heterozygous loss-of-function variants of DACT1 have been provisionally associated with autosomal dominant Townes-Brocks syndrome-2, which is characterized by imperforate anus, rectovaginal fistula, crossed fused renal ectopia, vesicoureteral reflux, and dysplastic ears (OMIM 617466). There are multiple genes in this copy number loss that are associated with autosomal recessive disorders: KIAA0586 (OMIM 610178), C14orf39 (OMIM 617307), SIX6 (OMIM 606326), and TRMT5 (OMIM 611023). Moreover, there are no similar copy number losses of this region in the general populations of the Database of Genomic Variants.